The following is an entry in ClinVar:

NM_000094.4(COL7A1):c.3139+1G>C

Gene: COL7A1 (collagen type VII alpha 1 chain; minus strand). Cytogenetic location: 3p21.31.
Variant type: single nucleotide variant.
Coding change: c.3139+1G>C on transcript NM_000094.4 (MANE Select); the canonical splice donor site of the intron after coding-DNA position 3139, G replaced by C.
Molecular consequence: splice donor variant.
Genome position (GRCh38, 1-based): chr3:48,587,189, C>G on the plus strand (G>C on the coding strand, the complement: COL7A1 is on the minus strand). VCF-style: chr3-48587189-C-G. GRCh37 (hg19) VCF-style: chr3-48624622-C-G.
Identifiers: ClinVar variation 2743028 (VCV002743028.3), dbSNP rs1284183246, ClinGen allele CA352711552.

ClinVar aggregate classification (germline): Likely pathogenic (1 of 4 stars; one submission).

Submission:

Labcorp Genetics (formerly Invitae), Labcorp
Classification: Likely pathogenic. Last evaluated: 2023-07-13. Review status: criteria provided, single submitter. Criteria: Invitae Variant Classification Sherloc (09022015). Collection method: clinical testing. Allele origin: germline.
Comment: In summary, the currently available evidence indicates that the variant is pathogenic, but additional data are needed to prove that conclusively. Therefore, this variant has been classified as Likely Pathogenic. Algorithms developed to predict the effect of sequence changes on RNA splicing suggest that this variant may disrupt the consensus splice site. This variant has not been reported in the literature in individuals affected with COL7A1-related conditions. This variant is not present in population databases (gnomAD no frequency). This sequence change affects a donor splice site in intron 23 of the COL7A1 gene. It is expected to disrupt RNA splicing. Variants that disrupt the donor or acceptor splice site typically lead to a loss of protein function (PMID: 16199547), and loss-of-function variants in COL7A1 are known to be pathogenic (PMID: 16971478).

Literature cited by the submitters: PubMed 16199547; PubMed 16971478.